The following is an entry in ClinVar:

NM_001371596.2(MFSD8):c.343G>A (p.Val115Met)

Gene: MFSD8 (major facilitator superfamily domain containing 8; minus strand). Cytogenetic location: 4q28.2.
Variant type: single nucleotide variant.
Coding change: c.343G>A on transcript NM_001371596.2 (MANE Select); coding-DNA position 343, G replaced by A.
Protein change: p.Val115Met; replaces valine 115 with methionine.
Molecular consequence: missense variant.
Genome position (GRCh38, 1-based): chr4:127,943,848, C>T on the plus strand (G>A on the coding strand, the complement: MFSD8 is on the minus strand). VCF-style: chr4-127943848-C-T. GRCh37 (hg19) VCF-style: chr4-128865003-C-T.
Other names: p.V115M:GTG>ATG; c.343G>A, p.Val115Met (NM_001363520.3, NM_001363521.3, NM_001371591.2 and 5 more transcripts); c.208G>A, p.Val70Met (NM_001371590.2, NM_001371595.1, NM_001410765.1); short protein forms V115M, V70M.
Identifiers: ClinVar variation 206147 (VCV000206147.12), dbSNP rs183450731, ClinGen allele CA315956.

ClinVar aggregate classification (germline): Uncertain significance. Review status: criteria provided, multiple submitters, no conflicts (2 of 4 stars). 4 submissions from 4 submitters: Uncertain significance (3). 1 of the submissions does not count toward it. Last evaluated 2022-09-01.

Conditions:
Neuronal ceroid lipofuscinosis 7 (CLN7). Also called: MFSD8-Related Neuronal Ceroid-Lipofuscinosis. Identifiers: Orphanet 168491, Orphanet 228366, MedGen C1838571, MONDO:0012588, OMIM 610951.
Macular dystrophy with central cone involvement (CCMD). Identifiers: MedGen C4015371, MONDO:0014515, OMIM 616170.
Late-infantile neuronal ceroid lipofuscinosis. Also called: Jansky-Bielschowsky disease. Identifiers: MedGen C0022340, MONDO:0015674.

Allele frequency attached by ClinVar (database versions not stated): gnomAD 0.00003 and 0.00007; gnomAD exomes 0.00005 and 0.00009; TOPMed 0.00009; ExAC 0.00012; 1000 Genomes Project 30x 0.00031; 1000 Genomes Project 0.00040.
gnomAD v4.1: 88 of 1,614,054 alleles (0.0055%); highest among the groups gnomAD compares: East Asian, 0.085%; no homozygotes.

Submissions (4):

Labcorp Genetics (formerly Invitae), Labcorp
Classification: Uncertain significance for Neuronal ceroid lipofuscinosis 7. Last evaluated: 2022-09-01. Review status: criteria provided, single submitter. Criteria: Invitae Variant Classification Sherloc (09022015). Collection method: clinical testing. Allele origin: germline.
Comment: This sequence change replaces valine, which is neutral and non-polar, with methionine, which is neutral and non-polar, at codon 115 of the MFSD8 protein (p.Val115Met). This variant is present in population databases (rs183450731, gnomAD 0.1%). This variant has not been reported in the literature in individuals affected with MFSD8-related conditions. ClinVar contains an entry for this variant (Variation ID: 206147). Algorithms developed to predict the effect of missense changes on protein structure and function are either unavailable or do not agree on the potential impact of this missense change (SIFT: "Deleterious"; PolyPhen-2: "Probably Damaging"; Align-GVGD: "Class C0"). Algorithms developed to predict the effect of sequence changes on RNA splicing suggest that this variant may create or strengthen a splice site. In summary, the available evidence is currently insufficient to determine the role of this variant in disease. Therefore, it has been classified as a Variant of Uncertain Significance.

GeneDx
Classification: Uncertain significance. Last evaluated: 2021-11-24. Review status: criteria provided, single submitter. Criteria: GeneDx Variant Classification Process June 2021. Collection method: clinical testing. Allele origin: germline. Affected: yes.
Comment: In silico analysis, which includes protein predictors and evolutionary conservation, supports that this variant does not alter protein structure/function; In silico analysis, which includes splice predictors and evolutionary conservation, suggests this variant may impact gene splicing. In the absence of RNA/functional studies, the actual effect of this sequence change is unknown.; Reported previously in the heterozygous state in an individual with sporadic ALS (Huang et al., 2021); This variant is associated with the following publications: (PMID: 33226711)

Center for Genomics, Ann and Robert H. Lurie Children's Hospital of Chicago
Classification: Uncertain significance for Macular dystrophy with central cone involvement; Neuronal ceroid lipofuscinosis 7. Review status: criteria provided, single submitter. Criteria: ACMG Guidelines, 2015. Collection method: clinical testing. Allele origin: germline.
Comment: MFSD8 NM_152778.2 exon 5 p.Val115Met (c.343G>A): This variant has not been reported in the literature but is present in 0.1% (20/18868) of East Asian alleles in the Genome Aggregation Database. This variant is present in ClinVar (Variation ID:206147). Evolutionary conservation and computational predictive tools suggest that this variant may impact the protein. In summary, data on this variant is insufficient for disease classification. Therefore, the clinical significance of this variant is uncertain.

Natera, Inc.
Classification: Uncertain significance for Late-infantile neuronal ceroid lipofuscinosis. Last evaluated: 2020-02-03. Review status: no assertion criteria provided. Collection method: clinical testing. Allele origin: germline. Not counted in ClinVar's aggregate classification.